The following is an entry in ClinVar:

ClinVar aggregate classification (germline): Likely benign (0 of 4 stars; one submission).

Conditions:
KMT2C-related disorder. Also called: KMT2C-related disorders; KMT2C-related condition.

Allele frequency attached by ClinVar (database versions not stated): ExAC 0.00002; gnomAD 0.00003; TOPMed 0.00004; ESP Exome Variant Server 0.00015; gnomAD exomes 0.00017.
gnomAD v4.1: 244 of 1,613,980 alleles (0.015%); highest among the groups gnomAD compares: Non-Finnish European, 0.02%; no homozygotes.

Submission:

PreventionGenetics, part of Exact Sciences
Classification: Likely benign for KMT2C-related condition. Last evaluated: 2019-06-06. Review status: no assertion criteria provided. Collection method: clinical testing. Allele origin: germline.
Comment: This variant is classified as likely benign based on ACMG/AMP sequence variant interpretation guidelines (Richards et al. 2015 PMID: 25741868, with internal and published modifications).

NM_170606.3(KMT2C):c.9765G>A (p.Gln3255=)

Gene: KMT2C (lysine methyltransferase 2C; minus strand). Cytogenetic location: 7q36.1.
Variant type: single nucleotide variant.
Coding change: c.9765G>A on transcript NM_170606.3 (MANE Select); coding-DNA position 9765, G replaced by A.
Protein change: p.Gln3255=; no amino-acid change (glutamine 3255 retained).
Molecular consequence: synonymous variant.
Genome position (GRCh38, 1-based): chr7:152,163,812, C>T on the plus strand (G>A on the coding strand, the complement: KMT2C is on the minus strand). VCF-style: chr7-152163812-C-T. GRCh37 (hg19) VCF-style: chr7-151860897-C-T.
Identifiers: ClinVar variation 3038804 (VCV003038804.2), dbSNP rs371631535, ClinGen allele CA4579401.